The following is an entry in ClinVar:

ClinVar aggregate classification (germline): Uncertain significance (1 of 4 stars; one submission).

Submission:

GeneDx
Classification: Uncertain significance. Last evaluated: 2026-04-04. Review status: criteria provided, single submitter. Criteria: GeneDx Variant Classification Process June 2021. Collection method: clinical testing. Allele origin: germline.
Comment: Not observed at significant frequency in large population cohorts (gnomAD); In silico analysis suggests that this missense variant does not alter protein structure/function; Has not been previously published as pathogenic or benign to our knowledge

NM_003107.3(SOX4):c.1249A>G (p.Met417Val)

Gene: SOX4 (SRY-box transcription factor 4; plus strand). Cytogenetic location: 6p22.3.
Variant type: single nucleotide variant.
Coding change: c.1249A>G on transcript NM_003107.3 (MANE Select); coding-DNA position 1249, A replaced by G.
Protein change: p.Met417Val; replaces methionine 417 with valine.
Molecular consequence: missense variant.
Genome position (GRCh38, 1-based): chr6:21,595,783, A>G. VCF-style: chr6-21595783-A-G. GRCh37 (hg19) VCF-style: chr6-21596014-A-G.
Other names: short protein forms M417V.
Identifiers: ClinVar variation 5018178 (VCV005018178.1).